The following is an entry in ClinVar:

ClinVar aggregate classification (germline): Uncertain significance (1 of 4 stars; one submission).

Conditions:
Aneurysm-osteoarthritis syndrome. Also called: SMAD3-Related Loeys-Dietz Syndrome; ANEURYSMS-OSTEOARTHRITIS SYNDROME; Loeys-Dietz syndrome, type 1C; LOEYS-DIETZ SYNDROME WITH OSTEOARTHRITIS. Identifiers: Orphanet 284984, MedGen C3151087, MONDO:0013426, OMIM 613795.

Submission:

All of Us Research Program, National Institutes of Health
Classification: Uncertain significance for Aneurysm-osteoarthritis syndrome. Last evaluated: 2023-12-13. Review status: criteria provided, single submitter. Criteria: ACMG Guidelines, 2015. Collection method: clinical testing. Allele origin: germline. Inheritance: Autosomal dominant inheritance. Observed: 2 variant alleles, 2 heterozygotes.
Comment: This missense variant replaces leucine with histidine at codon 274 of the SMAD3 protein. Computational prediction suggests that this variant may have deleterious impact on protein structure and function (internally defined REVEL score threshold >= 0.7, PMID: 27666373). To our knowledge, functional studies have not been reported for this variant. This variant has not been reported in individuals affected with SMAD3-related disorders in the literature. This variant has not been identified in the general population by the Genome Aggregation Database (gnomAD). The available evidence is insufficient to determine the role of this variant in disease conclusively. Therefore, this variant is classified as a Variant of Uncertain Significance.

This study involves interpretation of variants in research participants for the purpose of population health screening. Participant phenotype was not available at the time of variant classification. Additional details can be found in publication PMID: 35346344, PMCID: PMC8962531

NM_005902.4(SMAD3):c.821T>A (p.Leu274His)

Gene: SMAD3 (SMAD family member 3; plus strand). Cytogenetic location: 15q22.33.
Variant type: single nucleotide variant.
Coding change: c.821T>A on transcript NM_005902.4 (MANE Select); coding-DNA position 821, T replaced by A.
Protein change: p.Leu274His; replaces leucine 274 with histidine.
Molecular consequence: missense variant.
Genome position (GRCh38, 1-based): chr15:67,181,403, T>A. VCF-style: chr15-67181403-T-A. GRCh37 (hg19) VCF-style: chr15-67473741-T-A.
Other names: c.506T>A, p.Leu169His (NM_001145102.2, NM_001407016.1); c.689T>A, p.Leu230His (NM_001145103.2, NM_001407012.1); c.236T>A, p.Leu79His (NM_001145104.2, NM_001407017.1); c.821T>A, p.Leu274His (NM_001407011.1, NM_001407013.1); c.674T>A, p.Leu225His (NM_001407014.1); c.374T>A, p.Leu125His (NM_001407015.1); short protein forms L125H, L169H, L225H, L230H, L274H, L79H.
Identifiers: ClinVar variation 3074774 (VCV003074774.1), dbSNP rs863223741, ClinGen allele CA392956332.